The following is an entry in ClinVar:

ClinVar aggregate classification (germline): Uncertain significance. Review status: criteria provided, multiple submitters, no conflicts (2 of 4 stars). 2 submissions from 2 submitters: Uncertain significance (2). Last evaluated 2025-06-07.

Conditions:
Hereditary cancer-predisposing syndrome. Also called: Hereditary Cancer Syndrome; Hereditary neoplastic syndrome; Tumor predisposition; Neoplastic Syndromes, Hereditary. Identifiers: Orphanet 140162, MedGen C0027672, MeSH D009386, MONDO:0015356.
Neuroblastoma, susceptibility to, 3. Also called: ALK-Related Neuroblastic Tumor Susceptibility. Identifiers: Orphanet 635, MedGen C2751681, MONDO:0013083, OMIM 613014.

Allele frequency attached by ClinVar (database versions not stated): gnomAD exomes below 0.00001; TOPMed below 0.00001; ExAC 0.00001; gnomAD 0.00001.
gnomAD v4.1: 2 of 1,613,994 alleles (0.00012%); highest among the groups gnomAD compares: African/African-American, 0.0027%; no homozygotes.

Submissions (2):

Ambry Genetics
Classification: Uncertain significance for Hereditary cancer-predisposing syndrome. Last evaluated: 2025-06-07. Review status: criteria provided, single submitter. Criteria: Ambry Variant Classification Scheme 2023. Collection method: clinical testing. Allele origin: germline.
Comment: The p.L280P variant (also known as c.839T>C), located in coding exon 3 of the ALK gene, results from a T to C substitution at nucleotide position 839. The leucine at codon 280 is replaced by proline, an amino acid with similar properties. This amino acid position is conserved. In addition, this alteration is predicted to be tolerated by in silico analysis. Based on the available evidence, the clinical significance of this variant remains unclear.

Labcorp Genetics (formerly Invitae), Labcorp
Classification: Uncertain significance for Neuroblastoma, susceptibility to, 3. Last evaluated: 2022-07-09. Review status: criteria provided, single submitter. Criteria: Invitae Variant Classification Sherloc (09022015). Collection method: clinical testing. Allele origin: germline.
Comment: In summary, the available evidence is currently insufficient to determine the role of this variant in disease. Therefore, it has been classified as a Variant of Uncertain Significance. Algorithms developed to predict the effect of missense changes on protein structure and function are either unavailable or do not agree on the potential impact of this missense change (SIFT: "Deleterious"; PolyPhen-2: "Probably Damaging"; Align-GVGD: "Class C0"). ClinVar contains an entry for this variant (Variation ID: 1357738). This variant has not been reported in the literature in individuals affected with ALK-related conditions. This variant is present in population databases (rs764532876, gnomAD 0.01%). This sequence change replaces leucine, which is neutral and non-polar, with proline, which is neutral and non-polar, at codon 280 of the ALK protein (p.Leu280Pro).

NM_004304.5(ALK):c.839T>C (p.Leu280Pro)

Gene: ALK (ALK receptor tyrosine kinase; minus strand). Cytogenetic location: 2p23.2.
Variant type: single nucleotide variant.
Coding change: c.839T>C on transcript NM_004304.5 (MANE Select); coding-DNA position 839, T replaced by C.
Protein change: p.Leu280Pro; replaces leucine 280 with proline.
Molecular consequence: missense variant.
Genome position (GRCh38, 1-based): chr2:29,694,963, A>G on the plus strand (T>C on the coding strand, the complement: ALK is on the minus strand). VCF-style: chr2-29694963-A-G. GRCh37 (hg19) VCF-style: chr2-29917829-A-G.
Other names: c.839T>C (NM_004304.4); short protein forms L280P.
Identifiers: ClinVar variation 1357738 (VCV001357738.9), dbSNP rs764532876, ClinGen allele CA1594838.